The following is an entry in ClinVar:

NM_001270508.2(TNFAIP3):c.1679A>G (p.His560Arg)

Gene: TNFAIP3 (TNF alpha induced protein 3; plus strand). Cytogenetic location: 6q23.3.
Variant type: single nucleotide variant.
Coding change: c.1679A>G on transcript NM_001270508.2 (MANE Select); coding-DNA position 1679, A replaced by G.
Protein change: p.His560Arg; replaces histidine 560 with arginine.
Molecular consequence: missense variant.
Genome position (GRCh38, 1-based): chr6:137,879,124, A>G. VCF-style: chr6-137879124-A-G. GRCh37 (hg19) VCF-style: chr6-138200261-A-G.
Other names: c.1679A>G, p.His560Arg (NM_001270507.2, NM_006290.4); short protein forms H560R.
Identifiers: ClinVar variation 2812069 (VCV002812069.3), dbSNP rs2482757402, ClinGen allele CA365793251.

ClinVar aggregate classification (germline): Uncertain significance (1 of 4 stars; one submission).

Submission:

Labcorp Genetics (formerly Invitae), Labcorp
Classification: Uncertain significance. Last evaluated: 2023-01-25. Review status: criteria provided, single submitter. Criteria: Invitae Variant Classification Sherloc (09022015). Collection method: clinical testing. Allele origin: germline.
Comment: In summary, the available evidence is currently insufficient to determine the role of this variant in disease. Therefore, it has been classified as a Variant of Uncertain Significance. Advanced modeling of protein sequence and biophysical properties (such as structural, functional, and spatial information, amino acid conservation, physicochemical variation, residue mobility, and thermodynamic stability) performed at Invitae indicates that this missense variant is not expected to disrupt TNFAIP3 protein function. This variant has not been reported in the literature in individuals affected with TNFAIP3-related conditions. This variant is not present in population databases (gnomAD no frequency). This sequence change replaces histidine, which is basic and polar, with arginine, which is basic and polar, at codon 560 of the TNFAIP3 protein (p.His560Arg).